The following is an entry in ClinVar:

NM_001128178.3(NPHP1):c.152A>C (p.Gln51Pro)

Gene: NPHP1 (nephrocystin 1; minus strand). Cytogenetic location: 2q13.
Variant type: single nucleotide variant.
Coding change: c.152A>C on transcript NM_001128178.3 (MANE Select); coding-DNA position 152, A replaced by C.
Protein change: p.Gln51Pro; replaces glutamine 51 with proline.
Molecular consequence: missense variant. On other transcripts: intron variant (1).
Genome position (GRCh38, 1-based): chr2:110,179,676, T>G on the plus strand (A>C on the coding strand, the complement: NPHP1 is on the minus strand). VCF-style: chr2-110179676-T-G. GRCh37 (hg19) VCF-style: chr2-110937253-T-G.
Other names: c.152A>C, p.Gln51Pro (NM_000272.5, NM_001374256.1, NM_001374257.1 and 1 more transcripts); c.144-9678A>C (NM_001128179.3); c.152A>C (NM_000272.3); short protein forms Q51P.
Identifiers: ClinVar variation 2086034 (VCV002086034.2), dbSNP rs1430997894, ClinGen allele CA348093726.

ClinVar aggregate classification (germline): Uncertain significance. Review status: criteria provided, multiple submitters, no conflicts (2 of 4 stars). 2 submissions from 2 submitters: Uncertain significance (2). Last evaluated 2025-12-22.

Conditions:
NPHP1-related disorder. Also called: NPHP1-related condition; NPHP1-related disorders.
Nephronophthisis. Also called: Juvenile Nephronophthisis. Identifiers: Orphanet 655, MedGen C0687120, MONDO:0019005, HP:0000090.

Allele frequency attached by ClinVar (database versions not stated): gnomAD 0.00001; TOPMed 0.00002.

Submissions (2):

PreventionGenetics, part of Exact Sciences
Classification: Uncertain significance for NPHP1-related condition. Last evaluated: 2025-12-22. Review status: criteria provided, single submitter. Criteria: ACMG Guidelines, 2015. Collection method: clinical testing. Allele origin: germline.
Comment: The NPHP1 c.152A>C variant is predicted to result in the amino acid substitution p.Gln51Pro. To our knowledge, this variant has not been reported in the literature or in a large population database (gnomAD), indicating this variant is rare. At this time, the clinical significance of this variant is uncertain due to the absence of conclusive functional and genetic evidence.

Labcorp Genetics (formerly Invitae), Labcorp
Classification: Uncertain significance for Nephronophthisis. Last evaluated: 2022-11-01. Review status: criteria provided, single submitter. Criteria: Invitae Variant Classification Sherloc (09022015). Collection method: clinical testing. Allele origin: germline.
Comment: This sequence change replaces glutamine, which is neutral and polar, with proline, which is neutral and non-polar, at codon 51 of the NPHP1 protein (p.Gln51Pro). This variant is not present in population databases (gnomAD no frequency). This variant has not been reported in the literature in individuals affected with NPHP1-related conditions. Advanced modeling of protein sequence and biophysical properties (such as structural, functional, and spatial information, amino acid conservation, physicochemical variation, residue mobility, and thermodynamic stability) performed at Invitae indicates that this missense variant is not expected to disrupt NPHP1 protein function. In summary, the available evidence is currently insufficient to determine the role of this variant in disease. Therefore, it has been classified as a Variant of Uncertain Significance.